The following is an entry in ClinVar:

ClinVar aggregate classification (germline): Uncertain significance (1 of 4 stars; one submission).

Submission:

GeneDx
Classification: Uncertain significance. Last evaluated: 2020-10-06. Review status: criteria provided, single submitter. Criteria: GeneDx Variant Classification Process June 2021. Collection method: clinical testing. Allele origin: germline. Affected: yes.
Comment: Not observed in large population cohorts (Lek et al., 2016); In silico analysis supports that this missense variant has a deleterious effect on protein structure/function; This variant is associated with the following publications: (PMID: 27835667)

NM_001009944.3(PKD1):c.6100G>A (p.Gly2034Arg)

Gene: PKD1 (polycystin 1, transient receptor potential channel interacting; minus strand). Cytogenetic location: 16p13.3.
Variant type: single nucleotide variant.
Coding change: c.6100G>A on transcript NM_001009944.3 (MANE Select); coding-DNA position 6100, G replaced by A.
Protein change: p.Gly2034Arg; replaces glycine 2034 with arginine.
Molecular consequence: missense variant.
Genome position (GRCh38, 1-based): chr16:2,109,067, C>T on the plus strand (G>A on the coding strand, the complement: PKD1 is on the minus strand). VCF-style: chr16-2109067-C-T. GRCh37 (hg19) VCF-style: chr16-2159068-C-T.
Other names: c.6100G>A, p.Gly2034Arg (NM_000296.4); short protein forms G2034R.
Identifiers: ClinVar variation 1303547 (VCV001303547.2), dbSNP rs2151789912, ClinGen allele CA394374395.
Genomic context (GRCh38, chr16:2,109,067, plus strand): 5'-CCAGCGTGCGGTTCTCACTGCCCAGGGCGTTGAAGGCGCGCACCTGGATCTCCAACAGCC[C>T]CGCGGCCACGGGCGTGTAGGTGACGTCGCGGCCCGACAGGATGACCAGCGAGTCGCCCTG-3'
Protein context (NP_001009944.3, residues 2024-2044): RDVTYTPVAA[Gly2034Arg]LLEIQVRAFN